The following is an entry in ClinVar:

ClinVar aggregate classification (germline): Pathogenic/Likely pathogenic. Review status: criteria provided, multiple submitters, no conflicts (2 of 4 stars). 4 submissions from 4 submitters: Pathogenic (2); Likely pathogenic (1). 1 of the submissions does not count toward it. Last evaluated 2025-04-09.

Conditions:
Charcot-Marie-Tooth disease type 4. Also called: Charcot-Marie-Tooth, Type 4; Charcot-Marie-Tooth disease, type IV. Identifiers: Orphanet 64749, MedGen C4082197, MONDO:0018995.
Charcot-Marie-Tooth disease type 4F. Also called: Charcot-Marie-Tooth disease, demyelinating, type 4F. Identifiers: Orphanet 99952, MedGen C3540453, MONDO:0013959, OMIM 614895.

Allele frequency attached by ClinVar (database versions not stated): ExAC 0.00001; gnomAD 0.00001; TOPMed 0.00001; 1000 Genomes Project 30x 0.00016; 1000 Genomes Project 0.00020.
gnomAD v4.1: 6 of 1,614,114 alleles (0.00037%); highest among the groups gnomAD compares: African/African-American, 0.0013%; no homozygotes.

Submissions (4):

Variantyx, Inc.
Classification: Likely pathogenic for Charcot-Marie-Tooth disease type 4F. Last evaluated: 2025-04-09. Review status: criteria provided, single submitter. Criteria: Variantyx Assertion Criteria 2022. Collection method: clinical testing. Allele origin: germline. Inheritance: Autosomal recessive inheritance. Affected: no.
Comment: This is a nonsense variant in the PRX gene (OMIM: 605725). Pathogenic variants in this gene have been associated with autosomal recessive Charcot-Marie-Tooth disease type 4F (CMT4F). This variant introduces a premature termination codon in exon 7 out of 7 and is expected to result in loss of function, which is a known disease mechanism for PRX in this disorder (PMID: 21079185, 11133365) (PVS1). This variant has a 0.0013% maximum allele frequency in non-founder control populations (PM2). Based on the current evidence, this variant is classified as likely pathogenic for autosomal recessive Charcot-Marie-Tooth disease type 4F (CMT4F).

ARUP Laboratories, Molecular Genetics and Genomics, ARUP Laboratories
Classification: Pathogenic. Last evaluated: 2020-02-20. Review status: criteria provided, single submitter. Criteria: ARUP Molecular Germline Variant Investigation Process. Collection method: clinical testing. Allele origin: germline.
Comment: The PRX c.1390C>T; p.Arg464Ter variant (rs574861276) is reported in the literature in three individuals affected with Charcot-Marie-Tooth disease (Dohrn 2017, Vill 2017, Sun 2017). This variant is reported as pathogenic in ClinVar (Variation ID: 580375). At ARUP, this variant was detected in trans with another PRX variant c.1043dupG; p.Glu349fs in two siblings affected with CMT type 4F and Dejerine-Sottas disease. This variant induces an early termination codon and is predicted to result in a truncated protein. Based on available information, this variant is considered to be pathogenic. References: Dohrn et al. Frequent genes in rare diseases: panel-based next generation sequencing to disclose causal mutations in hereditary neuropathies. J Neurochem. 2017 Dec;143(5):507-522. Vill et al. Jumping Mechanography as a Complementary Testing Tool for Motor Function in Children with Hereditary Motor and Sensory Neuropathy. Neuropediatrics. 2017 Dec;48(6):420-425. Sun et al. Clinical and genetic spectra of Charcot-Marie-Tooth disease in Chinese Han patients. J Peripher Nerv Syst. 2017 Mar;22(1):13-18.

Labcorp Genetics (formerly Invitae), Labcorp
Classification: Pathogenic for Charcot-Marie-Tooth disease type 4. Last evaluated: 2018-04-17. Review status: criteria provided, single submitter. Criteria: Invitae Variant Classification Sherloc (09022015). Collection method: clinical testing. Allele origin: germline.
Comment: A different truncation (p.Cys715*) that lies downstream of this variant has been determined to be pathogenic (PMID: 12112076). This suggests that deletion of this region of the PRX protein is causative of disease. This variant has been reported in an individual affected with Charcot-Marie-Tooth disease, type 4F (PMID: 27862672). This variant is present in population databases (rs574861276, ExAC 0.01%). This sequence change results in a premature translational stop signal in the PRX gene (p.Arg464*). While this is not anticipated to result in nonsense mediated decay, it is expected to delete the last 998 amino acids of the PRX protein. For these reasons, this variant has been classified as Pathogenic.

Next Generation Genetic Polyclinic
Classification: Pathogenic for Charcot-Marie-Tooth disease type 4F. Review status: no assertion criteria provided. Collection method: clinical testing. Allele origin: inherited. Affected: yes. Not counted in ClinVar's aggregate classification.

Literature cited by the submitters: PubMed 21079185 (cited by Variantyx, Inc.); PubMed 11133365 (cited by Variantyx, Inc.); PubMed 12112076 (cited by Labcorp Genetics (formerly Invitae), Labcorp); PubMed 27862672 (cited by Labcorp Genetics (formerly Invitae), Labcorp).

NM_181882.3(PRX):c.1390C>T (p.Arg464Ter)

Gene: PRX (periaxin; minus strand). Cytogenetic location: 19q13.2.
Variant type: single nucleotide variant.
Coding change: c.1390C>T on transcript NM_181882.3 (MANE Select); coding-DNA position 1390, C replaced by T.
Protein change: p.Arg464Ter; replaces arginine 464 with a stop codon.
Molecular consequence: nonsense. On other transcripts: 3 prime UTR variant (1).
Genome position (GRCh38, 1-based): chr19:40,396,962, G>A on the plus strand (C>T on the coding strand, the complement: PRX is on the minus strand). VCF-style: chr19-40396962-G-A. GRCh37 (hg19) VCF-style: chr19-40902869-G-A.
Other names: c.*1595C>T (NM_020956.2); short protein forms R464*.
Identifiers: ClinVar variation 580375 (VCV000580375.19), dbSNP rs574861276, ClinGen allele CA9444273.